The following is an entry in ClinVar:

NM_001655.5(ARCN1):c.1289G>A (p.Arg430Gln)

Gene: ARCN1 (archain 1 coat protein complex I subunit delta; plus strand). Cytogenetic location: 11q23.3.
Variant type: single nucleotide variant.
Coding change: c.1289G>A on transcript NM_001655.5 (MANE Select); coding-DNA position 1289, G replaced by A.
Protein change: p.Arg430Gln; replaces arginine 430 with glutamine.
Molecular consequence: missense variant.
Genome position (GRCh38, 1-based): chr11:118,597,754, G>A. VCF-style: chr11-118597754-G-A. GRCh37 (hg19) VCF-style: chr11-118468469-G-A.
Other names: c.1025G>A, p.Arg342Gln (NM_001142281.2); c.1289G>A (NM_001655.4); short protein forms R430Q, R342Q.
Identifiers: ClinVar variation 1402037 (VCV001402037.7), dbSNP rs141407311, ClinGen allele CA6306276.
Genomic context (GRCh38, chr11:118,597,754, plus strand): 5'-TTTCTCACAACAGGTCTGGTGTCGGCGCGCCTGTTATCGGTGAGATCGATGGGGAGTATC[G>A]ACATGACAGTCGACGAAATACCCTGGAGTGGTGCCTGCCTGTGATTGATGCCAAAAATAA-3'
Protein context (NP_001646.2, residues 420-440): PVIGEIDGEY[Arg430Gln]HDSRRNTLEW

ClinVar aggregate classification (germline): Conflicting classifications of pathogenicity. Review status: criteria provided, conflicting classifications (1 of 4 stars). 2 submissions from 2 submitters: Uncertain significance (1); Likely benign (1). Last evaluated 2025-07-21.

Conditions:
Inborn genetic diseases. Identifiers: MedGen C0950123, MeSH D030342.

Allele frequency attached by ClinVar (database versions not stated): ExAC 0.00004; gnomAD exomes 0.00004 and 0.00013; gnomAD 0.00005 and 0.00006; TOPMed 0.00006; ESP Exome Variant Server 0.00008.

Submissions (2):

Labcorp Genetics (formerly Invitae), Labcorp
Classification: Uncertain significance. Last evaluated: 2025-07-21. Review status: criteria provided, single submitter. Criteria: Invitae Variant Classification Sherloc (09022015). Collection method: clinical testing. Allele origin: germline.
Comment: This sequence change replaces arginine, which is basic and polar, with glutamine, which is neutral and polar, at codon 430 of the ARCN1 protein (p.Arg430Gln). This variant is present in population databases (rs141407311, gnomAD 0.007%). This variant has not been reported in the literature in individuals affected with ARCN1-related conditions. ClinVar contains an entry for this variant (Variation ID: 1402037). An algorithm developed to predict the effect of missense changes on protein structure and function (PolyPhen-2) suggests that this variant is likely to be tolerated. In summary, the available evidence is currently insufficient to determine the role of this variant in disease. Therefore, it has been classified as a Variant of Uncertain Significance.

Ambry Genetics
Classification: Likely benign for Inborn genetic diseases. Last evaluated: 2023-10-20. Review status: criteria provided, single submitter. Criteria: Ambry Variant Classification Scheme 2023. Collection method: clinical testing. Allele origin: germline.